The following is an entry in ClinVar:

NM_206965.2(FTCD):c.476C>T (p.Ala159Val)

Genes: FTCD (formimidoyltransferase cyclodeaminase; minus strand), FTCD-AS1 (FTCD antisense RNA 1; plus strand). Cytogenetic location: 21q22.3.
Variant type: single nucleotide variant.
Coding change: c.476C>T on transcript NM_206965.2 (MANE Select); coding-DNA position 476, C replaced by T.
Protein change: p.Ala159Val; replaces alanine 159 with valine.
Molecular consequence: missense variant.
Genome position (GRCh38, 1-based): chr21:46,151,718, G>A on the plus strand (C>T on the coding strand, the complement: FTCD is on the minus strand). VCF-style: chr21-46151718-G-A. GRCh37 (hg19) VCF-style: chr21-47571632-G-A.
Other names: c.476C>T, p.Ala159Val (NM_001320412.2, NM_006657.3); short protein forms A159V.
Identifiers: ClinVar variation 340435 (VCV000340435.11), dbSNP rs200652518, ClinGen allele CA10073855.

ClinVar aggregate classification (germline): Uncertain significance. Review status: criteria provided, multiple submitters, no conflicts (2 of 4 stars). 2 submissions from 2 submitters: Uncertain significance (2). Last evaluated 2024-10-03.

Conditions:
Inborn genetic diseases. Identifiers: MedGen C0950123, MeSH D030342.
Glutamate formiminotransferase deficiency. Also called: Arakawa syndrome 1; Formiminoglutamic aciduria. Identifiers: Orphanet 51208, MedGen C0268609, MONDO:0009240, OMIM 229100.

Allele frequency attached by ClinVar (database versions not stated): gnomAD 0.00008 and 0.00010; TOPMed 0.00012; ESP Exome Variant Server 0.00031.
gnomAD v4.1: 189 of 1,612,762 alleles (0.012%); highest among the groups gnomAD compares: Admixed American, 0.027%; no homozygotes.

Submissions (2):

Ambry Genetics
Classification: Uncertain significance for Inborn genetic diseases. Last evaluated: 2024-10-03. Review status: criteria provided, single submitter. Criteria: Ambry Variant Classification Scheme 2023. Collection method: clinical testing. Allele origin: germline.

Labcorp Genetics (formerly Invitae), Labcorp
Classification: Uncertain significance for Glutamate formiminotransferase deficiency. Last evaluated: 2021-08-26. Review status: criteria provided, single submitter. Criteria: Invitae Variant Classification Sherloc (09022015). Collection method: clinical testing. Allele origin: germline.
Comment: This sequence change replaces alanine with valine at codon 159 of the FTCD protein (p.Ala159Val). The alanine residue is moderately conserved and there is a small physicochemical difference between alanine and valine. This variant is present in population databases (rs200652518, ExAC 0.04%). This variant has not been reported in the literature in individuals affected with FTCD-related conditions. ClinVar contains an entry for this variant (Variation ID: 340435). Algorithms developed to predict the effect of missense changes on protein structure and function output the following: SIFT: "Tolerated"; PolyPhen-2: "Benign"; Align-GVGD: "Class C0". The valine amino acid residue is found in multiple mammalian species, which suggests that this missense change does not adversely affect protein function. In summary, the available evidence is currently insufficient to determine the role of this variant in disease. Therefore, it has been classified as a Variant of Uncertain Significance.